The following is an entry in ClinVar:

NM_000203.5(IDUA):c.310G>T (p.Gly104Ter)

Gene: IDUA (alpha-L-iduronidase; plus strand). Cytogenetic location: 4p16.3.
Variant type: single nucleotide variant.
Coding change: c.310G>T on transcript NM_000203.5 (MANE Select); coding-DNA position 310, G replaced by T.
Protein change: p.Gly104Ter; replaces glycine 104 with a stop codon.
Molecular consequence: nonsense. On other transcripts: 5 prime UTR variant (1), non-coding transcript variant (1).
Genome position (GRCh38, 1-based): chr4:1,000,622, G>T. VCF-style: chr4-1000622-G-T. GRCh37 (hg19) VCF-style: chr4-994410-G-T.
Other names: c.-87G>T (NM_001363576.1); short protein forms G104*.
Identifiers: ClinVar variation 4997975 (VCV004997975.1).

ClinVar aggregate classification (germline): Likely pathogenic (1 of 4 stars; one submission).

Conditions:
IDUA-related disorder. Also called: IDUA-related condition.

Submission:

PreventionGenetics, part of Exact Sciences
Classification: Likely pathogenic for IDUA-related condition. Last evaluated: 2024-11-27. Review status: criteria provided, single submitter. Criteria: ACMG Guidelines, 2015. Collection method: clinical testing. Allele origin: germline.
Comment: The IDUA c.310G>T variant is predicted to result in premature protein termination (p.Gly104*). To our knowledge, this variant has not been reported in the literature or in a large population database (gnomAD), indicating this variant is rare. Nonsense variants in IDUA are expected to be pathogenic. This variant is interpreted as likely pathogenic.